The following is an entry in ClinVar:

NM_080425.4(GNAS):c.1431_1456del (p.Ala478fs)

Gene: GNAS (GNAS complex locus; plus strand). Cytogenetic location: 20q13.32.
Variant type: Deletion.
Coding change: c.1431_1456del on transcript NM_080425.4 (MANE Plus Clinical); coding-DNA positions 1431 to 1456, 26 bases deleted (TGCGGCTGCTGAGACCCGGGCAGCCC).
Protein change: p.Ala478fs; shifts the reading frame from alanine 478.
Molecular consequence: frameshift variant. On other transcripts: intron variant (3).
Genome position (GRCh38, 1-based): chr20:58,854,696-58,854,721, TGCGGCTGCTGAGACCCGGGCAGCCC deleted; deleting any 26 consecutive bases within chr20:58,854,693-58,854,721 gives the same sequence; the c. name uses the placement nearest the transcript's 3' end. VCF-style (leftmost placement, unchanged base first): chr20-58854692-CCCCTGCGGCTGCTGAGACCCGGGCAG-C. GRCh37 (hg19) VCF-style: chr20-57429747-CCCCTGCGGCTGCTGAGACCCGGGCAG-C.
Other names: c.1244_1269del, p.Leu415fs (NM_001077490.3, NM_001309883.1); c.1431_1456del, p.Ala478fs (NM_001410913.1); c.*42+13810_*42+13835del (NM_016592.5); c.43+13810_43+13835del (NM_001410912.1); c.-39+12821_-39+12846del (NM_001309861.2); short protein forms A478fs, L415fs.
Identifiers: ClinVar variation 1802120 (VCV001802120.1), dbSNP rs2086369592, ClinGen allele CA2372501977.

ClinVar aggregate classification (germline): Uncertain significance (1 of 4 stars; one submission).

Submission:

GeneDx
Classification: Uncertain significance. Last evaluated: 2022-11-30. Review status: criteria provided, single submitter. Criteria: GeneDx Variant Classification Process June 2021. Collection method: clinical testing. Allele origin: germline. Affected: yes.
Comment: Not observed in large population cohorts (gnomAD); Frameshift variant predicted to result in protein truncation or nonsense mediated decay occurring in a transcript for which loss-of-function variants have not been previously reported as pathogenic; Has not been previously published as pathogenic or benign to our knowledge; Reported using an alternate transcript of the gene